The following is an entry in ClinVar:

ClinVar aggregate classification (germline): Likely pathogenic (1 of 4 stars; one submission).

gnomAD v4.1: 1 of 1,614,048 alleles (0.000062%); highest among the groups gnomAD compares: Non-Finnish European, 0.000085%; no homozygotes.

Submission:

CeGaT Center for Human Genetics Tuebingen
Classification: Likely pathogenic. Last evaluated: 2023-06-01. Review status: criteria provided, single submitter. Criteria: CeGaT Center For Human Genetics Tuebingen Variant Classification Criteria Version 2. Collection method: clinical testing. Allele origin: germline. Affected: yes. Observed: 2 variant alleles.
Comment: FAS: PM2, PP3, PP4, PS3:Supporting, PS4:Supporting

NM_000043.6(FAS):c.506-3C>G

Gene: FAS (Fas cell surface death receptor; plus strand). Cytogenetic location: 10q23.31.
Variant type: single nucleotide variant.
Coding change: c.506-3C>G on transcript NM_000043.6 (MANE Select); 3 bases into the intron before coding-DNA position 506, C replaced by G.
Molecular consequence: intron variant.
Genome position (GRCh38, 1-based): chr10:89,010,750, C>G. VCF-style: chr10-89010750-C-G. GRCh37 (hg19) VCF-style: chr10-90770507-C-G.
Other names: c.506-3C>G (NM_152872.4, NM_001320619.2); c.505+150C>G (NM_152871.4); c.551-3C>G (NM_001410956.1).
Identifiers: ClinVar variation 2570772 (VCV002570772.27), dbSNP rs1848488567, ClinGen allele CA2580615564.